The following is an entry in ClinVar:

NM_000257.4(MYH7):c.4098G>T (p.Ser1366=)

Gene: MYH7 (myosin heavy chain 7; minus strand). Cytogenetic location: 14q11.2.
Variant type: single nucleotide variant.
Coding change: c.4098G>T on transcript NM_000257.4 (MANE Select); coding-DNA position 4098, G replaced by T.
Protein change: p.Ser1366=; no amino-acid change (serine 1366 retained).
Molecular consequence: synonymous variant.
Genome position (GRCh38, 1-based): chr14:23,418,281, C>A on the plus strand (G>T on the coding strand, the complement: MYH7 is on the minus strand). VCF-style: chr14-23418281-C-A. GRCh37 (hg19) VCF-style: chr14-23887490-C-A.
Other names: c.4098G>T, p.Ser1366= (NM_001407004.1).
Identifiers: ClinVar variation 3387304 (VCV003387304.2).

ClinVar aggregate classification (germline): Likely benign. Review status: criteria provided, multiple submitters, no conflicts (2 of 4 stars). 2 submissions from 2 submitters: Likely benign (2). Last evaluated 2025-08-28.

Conditions:
Cardiomyopathy (CMYO). Also called: Cardiomyopathies. Identifiers: Orphanet 167848, MedGen C0878544, MONDO:0004994, HP:0001638. Inheritance: Various modes of inheritance.
Cardiovascular phenotype. Identifiers: MedGen CN230736.

Submissions (2):

Ambry Genetics
Classification: Likely benign for Cardiovascular phenotype. Last evaluated: 2025-08-28. Review status: criteria provided, single submitter. Criteria: Ambry Variant Classification Scheme 2023. Collection method: clinical testing. Allele origin: germline.

All of Us Research Program, National Institutes of Health
Classification: Likely benign for Cardiomyopathy. Last evaluated: 2024-04-16. Review status: criteria provided, single submitter. Criteria: ACMG Guidelines, 2015. Collection method: clinical testing. Allele origin: germline. Inheritance: Autosomal dominant inheritance. Observed: 1 variant allele, 1 heterozygote.
Comment: This study involves interpretation of variants in research participants for the purpose of population health screening. Participant phenotype was not available at the time of variant classification. Additional details can be found in publication PMID: 35346344, PMCID: PMC8962531